The following is an entry in ClinVar:

ClinVar aggregate classification (germline): Uncertain significance (1 of 4 stars; one submission).

Submission:

Dasa
Classification: Uncertain significance. Last evaluated: 2025-01-26. Review status: criteria provided, single submitter. Criteria: DASA Assertion Criteria. Collection method: clinical testing. Allele origin: germline.
Comment: NM_001378120.1(MBD5):c.835A>G (p.Met279Val) is a missense variant that results in the substitution of methionine with valine. This variant is absent from population databases. Computational prediction algorithms are consistent with a benign effect. The currently available literature and clinical evidence are not sufficient to establish a definitive association between this variant and the reported condition. Therefore, this variant is classified as a variant of uncertain significance.

NM_001378120.1(MBD5):c.835A>G (p.Met279Val)

Gene: MBD5 (methyl-CpG binding domain protein 5; plus strand). Cytogenetic location: 2q23.1.
Variant type: single nucleotide variant.
Coding change: c.835A>G on transcript NM_001378120.1 (MANE Select); coding-DNA position 835, A replaced by G.
Protein change: p.Met279Val; replaces methionine 279 with valine.
Molecular consequence: missense variant.
Genome position (GRCh38, 1-based): chr2:148,468,778, A>G. VCF-style: chr2-148468778-A-G. GRCh37 (hg19) VCF-style: chr2-149226347-A-G.
Other names: c.835A>G, p.Met279Val (NM_001438854.1, NM_001438855.1, NM_001438856.1 and 7 more transcripts); short protein forms M279V.
Identifiers: ClinVar variation 4881909 (VCV004881909.2).